The following is an entry in ClinVar:

ClinVar aggregate classification (germline): Uncertain significance (1 of 4 stars; one submission).

Conditions:
CHARGE syndrome (CHARGE). Also called: Hittner Hirsch Kreh syndrome; CHARGE ASSOCIATION--COLOBOMA, HEART ANOMALY, CHOANAL ATRESIA, RETARDATION, GENITAL AND EAR ANOMALIES; Coloboma, heart anomaly, choanal atresia, retardation, genital and ear anomalies; CHARGE association; Hall-Hittner syndrome. Identifiers: Orphanet 138, MedGen C0265354, MONDO:0008965.

Submission:

Labcorp Genetics (formerly Invitae), Labcorp
Classification: Uncertain significance for CHARGE syndrome. Last evaluated: 2023-01-20. Review status: criteria provided, single submitter. Criteria: Invitae Variant Classification Sherloc (09022015). Collection method: clinical testing. Allele origin: germline.
Comment: In summary, the available evidence is currently insufficient to determine the role of this variant in disease. Therefore, it has been classified as a Variant of Uncertain Significance. Advanced modeling of protein sequence and biophysical properties (such as structural, functional, and spatial information, amino acid conservation, physicochemical variation, residue mobility, and thermodynamic stability) performed at Invitae indicates that this missense variant is expected to disrupt CHD7 protein function. This variant has not been reported in the literature in individuals affected with CHD7-related conditions. This variant is not present in population databases (gnomAD no frequency). This sequence change replaces valine, which is neutral and non-polar, with alanine, which is neutral and non-polar, at codon 1798 of the CHD7 protein (p.Val1798Ala).

NM_017780.4(CHD7):c.5393T>C (p.Val1798Ala)

Gene: CHD7 (chromodomain helicase DNA binding protein 7; plus strand). Cytogenetic location: 8q12.2.
Variant type: single nucleotide variant.
Coding change: c.5393T>C on transcript NM_017780.4 (MANE Select); coding-DNA position 5393, T replaced by C.
Protein change: p.Val1798Ala; replaces valine 1798 with alanine.
Molecular consequence: missense variant. On other transcripts: intron variant (1).
Genome position (GRCh38, 1-based): chr8:60,849,143, T>C. VCF-style: chr8-60849143-T-C. GRCh37 (hg19) VCF-style: chr8-61761702-T-C.
Other names: c.1717-13086T>C (NM_001316690.1); short protein forms V1798A.
Identifiers: ClinVar variation 2807324 (VCV002807324.3), dbSNP rs1805341017, ClinGen allele CA371321316.